The following is an entry in ClinVar:

ClinVar aggregate classification (germline): Benign. Review status: criteria provided, multiple submitters, no conflicts (2 of 4 stars). 2 submissions from 2 submitters: Benign (2). Last evaluated 2018-01-13.

Conditions:
Retinitis pigmentosa (RP). Identifiers: Orphanet 791, MedGen C0035334, MeSH D012174, MONDO:0019200, OMIM 268000. Inheritance: Autosomal dominant, autosomal recessive and X linked inheritance.

Allele frequency attached by ClinVar (database versions not stated): 1000 Genomes Project 0.20667; 1000 Genomes Project 30x 0.20909; gnomAD 0.22507 and 0.22696; TOPMed 0.23509; gnomAD exomes 0.25806.
gnomAD v4.1: 34,462 of 151,382 alleles (23%); highest among the groups gnomAD compares: Admixed American, 35%; 4,353 homozygotes.

Submissions (2):

Illumina Laboratory Services, Illumina
Classification: Benign for Retinitis pigmentosa. Last evaluated: 2018-01-13. Review status: criteria provided, single submitter. Criteria: ICSL Variant Classification Criteria 13 December 2019. Collection method: clinical testing. Allele origin: germline.
Comment: This variant was observed in the ICSL laboratory as part of a predisposition screen in an ostensibly healthy population. It had not been previously curated by ICSL or reported in the Human Gene Mutation Database (HGMD: prior to June 1st, 2018), and was therefore a candidate for classification through an automated scoring system. Utilizing variant allele frequency, disease prevalence and penetrance estimates, and inheritance mode, an automated score was calculated to assess if this variant is too frequent to cause the disease. Based on the score and internal cut-off values, a variant classified as benign is not then subjected to further curation. The score for this variant resulted in a classification of benign for this disease.

Breakthrough Genomics
Classification: Benign. Review status: criteria provided, single submitter. Criteria: ACMG Guidelines, 2015. Collection method: not provided. Allele origin: germline. Inheritance: Autosomal recessive inheritance. Affected: yes.

NM_205861.3(DHDDS):c.*1300G>C

Gene: DHDDS (dehydrodolichyl diphosphate synthase subunit; plus strand). Cytogenetic location: 1p36.11.
Variant type: single nucleotide variant.
Coding change: c.*1300G>C on transcript NM_205861.3 (MANE Select); 1300 bases downstream of the stop codon, G replaced by C.
Molecular consequence: 3 prime UTR variant.
Genome position (GRCh38, 1-based): chr1:26,470,431, G>C. VCF-style: chr1-26470431-G-C. GRCh37 (hg19) VCF-style: chr1-26796922-G-C.
Other names: c.*1300G>C (NM_001243564.2, NM_001243565.2, NM_001319959.2 and 1 more transcripts).
Identifiers: ClinVar variation 297098 (VCV000297098.6), dbSNP rs12096239, ClinGen allele CA10609820.
Genomic context (GRCh38, chr1:26,470,431, plus strand): 5'-TCCTGACCTCAGGTGATCCGCCGGCCTCACCCTCCCAAAGTGCTGGGATTACAGGCATGA[G>C]CCACCATGCCAGACTTCCCATTTTACTTTCTGCAAGCTGTTTCCCTAGCAGCTCCCTCTA-3'